The following is an entry in ClinVar:

ClinVar aggregate classification (germline): Pathogenic (1 of 4 stars; one submission).

Conditions:
Rare genetic deafness. Identifiers: Orphanet 96210, MedGen C5680250.

Allele frequency attached by ClinVar (database versions not stated): gnomAD exomes below 0.00001.

Submission:

Laboratory for Molecular Medicine, Mass General Brigham Personalized Medicine
Classification: Pathogenic for Rare genetic deafness. Last evaluated: 2016-06-20. Review status: criteria provided, single submitter. Criteria: LMM Criteria. Collection method: clinical testing. Allele origin: germline. Inheritance: Autosomal recessive inheritance. Observed: 2 variant alleles.
Comment: The p.Ile1919X variant in TECTA has not been previously reported in individuals with hearing loss. This variant was absent from large population studies, though the ability of these studies to accurately detect indels may be limited. This 2 bp deletion leads to a nonsense variant resulting in a premature termination cod on at position 1919, which is predicted to lead to a truncated or absent protein . Loss of function of the TECTA gene is an established disease mechanism in auto somal recessive hearing loss. In summary, this variant meets our criteria to be classified as pathogenic for hearing loss in an autosomal recessive manner based on the predicted impact of the variant on the protein.

NM_005422.4(TECTA):c.5754_5755del (p.Val1918_Ile1919insTer)

Genes: TBCEL-TECTA (TBCEL-TECTA readthrough; plus strand), TECTA (tectorin alpha; plus strand). Cytogenetic location: 11q23.3.
Variant type: Deletion.
Coding change: c.5754_5755del on transcript NM_005422.4 (MANE Select); coding-DNA positions 5754 to 5755, 2 bases deleted (AA; older notation c.5754_5755delAA).
Protein change: p.Val1918_Ile1919insTer.
Molecular consequence: frameshift variant.
Genome position (GRCh38, 1-based): chr11:121,168,680-121,168,681, AA deleted. VCF-style (leftmost placement, unchanged base first): chr11-121168679-TAA-T. GRCh37 (hg19) VCF-style: chr11-121039388-TAA-T.
Other names: c.5754_5755delAA (NM_005422.2); c.6696_6697del, p.Val2232_Ile2233insTer (NM_001378761.1).
Identifiers: ClinVar variation 505042 (VCV000505042.5), dbSNP rs1555129231, ClinGen allele CA658797822.